The following is an entry in ClinVar:

NM_003742.4(ABCB11):c.2757C>A (p.Thr919=)

Genes: ABCB11 (ATP binding cassette subfamily B member 11; minus strand), LOC126806400 (CDK7 strongly-dependent group 2 enhancer GRCh37_chr2:169791870-169793069; plus strand). Cytogenetic location: 2q31.1.
Variant type: single nucleotide variant.
Coding change: c.2757C>A on transcript NM_003742.4 (MANE Select); coding-DNA position 2757, C replaced by A.
Protein change: p.Thr919=; no amino-acid change (threonine 919 retained).
Molecular consequence: synonymous variant.
Genome position (GRCh38, 1-based): chr2:168,936,287, G>T on the plus strand (C>A on the coding strand, the complement: ABCB11 is on the minus strand). VCF-style: chr2-168936287-G-T. GRCh37 (hg19) VCF-style: chr2-169792797-G-T.
Other names: c.2757C>A, p.Thr919= (LRG_1199t1); c.2757C>A (NM_003742.2).
Identifiers: ClinVar variation 499996 (VCV000499996.17), dbSNP rs374465656, ClinGen allele CA1951201.

ClinVar aggregate classification (germline): Conflicting classifications of pathogenicity. Review status: criteria provided, conflicting classifications (1 of 4 stars). 3 submissions from 3 submitters: Uncertain significance (1); Likely benign (1). 1 of the submissions does not count toward it. Last evaluated 2023-12-09.

Conditions:
ABCB11-related disorder. Also called: ABCB11-related condition.

Allele frequency attached by ClinVar (database versions not stated): ExAC 0.00002; gnomAD exomes 0.00002; gnomAD 0.00011 and 0.00012; TOPMed 0.00011; ESP Exome Variant Server 0.00024.
gnomAD v4.1: 40 of 1,613,888 alleles (0.0025%); highest among the groups gnomAD compares: African/African-American, 0.048%; no homozygotes.

Submissions (3):

Labcorp Genetics (formerly Invitae), Labcorp
Classification: Likely benign. Last evaluated: 2023-12-09. Review status: criteria provided, single submitter. Criteria: Invitae Variant Classification Sherloc (09022015). Collection method: clinical testing. Allele origin: germline.

Eurofins Ntd Llc (ga)
Classification: Uncertain significance. Last evaluated: 2017-01-17. Review status: criteria provided, single submitter. Criteria: EGL Classification Definitions 2015. Collection method: clinical testing. Allele origin: germline. Observed: 1 variant allele, 1 heterozygote.

PreventionGenetics, part of Exact Sciences
Classification: Likely benign for ABCB11-related condition. Last evaluated: 2019-02-20. Review status: no assertion criteria provided. Collection method: clinical testing. Allele origin: germline. Not counted in ClinVar's aggregate classification.
Comment: This variant is classified as likely benign based on ACMG/AMP sequence variant interpretation guidelines (Richards et al. 2015 PMID: 25741868, with internal and published modifications).